The following is an entry in ClinVar:

ClinVar aggregate classification (germline): Uncertain significance (1 of 4 stars; one submission).

Allele frequency attached by ClinVar (database versions not stated): TOPMed below 0.00001.

Submission:

Labcorp Genetics (formerly Invitae), Labcorp
Classification: Uncertain significance. Last evaluated: 2025-05-31. Review status: criteria provided, single submitter. Criteria: Invitae Variant Classification Sherloc (09022015). Collection method: clinical testing. Allele origin: germline.
Comment: This sequence change replaces threonine, which is neutral and polar, with serine, which is neutral and polar, at codon 4249 of the HMCN1 protein (p.Thr4249Ser). This variant is not present in population databases (gnomAD no frequency). This variant has not been reported in the literature in individuals affected with HMCN1-related conditions. ClinVar contains an entry for this variant (Variation ID: 1940184). An algorithm developed to predict the effect of missense changes on protein structure and function outputs the following: PolyPhen-2: "Benign". The serine amino acid residue is found in multiple mammalian species, which suggests that this missense change does not adversely affect protein function. In summary, the available evidence is currently insufficient to determine the role of this variant in disease. Therefore, it has been classified as a Variant of Uncertain Significance.

NM_031935.3(HMCN1):c.12745A>T (p.Thr4249Ser)

Gene: HMCN1 (hemicentin 1; plus strand). Cytogenetic location: 1q31.1.
Variant type: single nucleotide variant.
Coding change: c.12745A>T on transcript NM_031935.3 (MANE Select); coding-DNA position 12745, A replaced by T.
Protein change: p.Thr4249Ser; replaces threonine 4249 with serine.
Molecular consequence: missense variant.
Genome position (GRCh38, 1-based): chr1:186,128,132, A>T. VCF-style: chr1-186128132-A-T. GRCh37 (hg19) VCF-style: chr1-186097264-A-T.
Other names: short protein forms T4249S.
Identifiers: ClinVar variation 1940184 (VCV001940184.5), dbSNP rs1661738794, ClinGen allele CA343905341.